The following is an entry in ClinVar:

ClinVar aggregate classification (germline): Uncertain significance. Review status: criteria provided, multiple submitters, no conflicts (2 of 4 stars). 2 submissions from 2 submitters: Uncertain significance (2). Last evaluated 2026-02-02.

Conditions:
MAGEL2-related disorder. Also called: MAGEL2-related condition.

gnomAD v4.1: 46 of 1,613,696 alleles (0.0029%); highest among the groups gnomAD compares: Non-Finnish European, 0.0036%; no homozygotes.

Submissions (2):

PreventionGenetics, part of Exact Sciences
Classification: Uncertain significance for MAGEL2-related condition. Last evaluated: 2026-02-02. Review status: criteria provided, single submitter. Criteria: ACMG Guidelines, 2015. Collection method: clinical testing. Allele origin: germline.
Comment: The MAGEL2 c.3214G>A variant is predicted to result in the amino acid substitution p.Ala1072Thr. To our knowledge, this variant has not been reported in the literature or in a large population database (gnomAD), indicating this variant is rare. At this time, the clinical significance of this variant is uncertain due to the absence of conclusive functional and genetic evidence.

Labcorp Genetics (formerly Invitae), Labcorp
Classification: Uncertain significance. Last evaluated: 2024-05-27. Review status: criteria provided, single submitter. Criteria: Invitae Variant Classification Sherloc (09022015). Collection method: clinical testing. Allele origin: germline.
Comment: This sequence change replaces alanine, which is neutral and non-polar, with threonine, which is neutral and polar, at codon 1072 of the MAGEL2 protein (p.Ala1072Thr). This variant is not present in population databases (gnomAD no frequency). This variant has not been reported in the literature in individuals affected with MAGEL2-related conditions. Advanced modeling of protein sequence and biophysical properties (such as structural, functional, and spatial information, amino acid conservation, physicochemical variation, residue mobility, and thermodynamic stability) performed at Invitae indicates that this missense variant is not expected to disrupt MAGEL2 protein function with a negative predictive value of 80%. In summary, the available evidence is currently insufficient to determine the role of this variant in disease. Therefore, it has been classified as a Variant of Uncertain Significance.

NM_019066.5(MAGEL2):c.3214G>A (p.Ala1072Thr)

Gene: MAGEL2 (MAGE family member L2; minus strand). Cytogenetic location: 15q11.2.
Variant type: single nucleotide variant.
Coding change: c.3214G>A on transcript NM_019066.5 (MANE Select); coding-DNA position 3214, G replaced by A.
Protein change: p.Ala1072Thr; replaces alanine 1072 with threonine.
Molecular consequence: missense variant.
Genome position (GRCh38, 1-based): chr15:23,644,529, C>T on the plus strand (G>A on the coding strand, the complement: MAGEL2 is on the minus strand). VCF-style: chr15-23644529-C-T. GRCh37 (hg19) VCF-style: chr15-23889676-C-T.
Other names: c.3214G>A (NM_019066.4); short protein forms A1072T.
Identifiers: ClinVar variation 3614516 (VCV003614516.3).